The following is an entry in ClinVar:

NM_000053.4(ATP7B):c.2735C>A (p.Pro912His)

Gene: ATP7B (ATPase copper transporting beta; minus strand). Cytogenetic location: 13q14.3.
Variant type: single nucleotide variant.
Coding change: c.2735C>A on transcript NM_000053.4 (MANE Select); coding-DNA position 2735, C replaced by A.
Protein change: p.Pro912His; replaces proline 912 with histidine.
Molecular consequence: missense variant. On other transcripts: intron variant (1).
Genome position (GRCh38, 1-based): chr13:51,949,792, G>T on the plus strand (C>A on the coding strand, the complement: ATP7B is on the minus strand). VCF-style: chr13-51949792-G-T. GRCh37 (hg19) VCF-style: chr13-52523928-G-T.
Other names: c.2402C>A, p.Pro801His (NM_001243182.2); c.2501C>A, p.Pro834His (NM_001330578.2); c.2483C>A, p.Pro828His (NM_001330579.2); c.2244+215C>A (NM_001005918.3); short protein forms P801H, P828H, P834H, P912H.
Identifiers: ClinVar variation 1195965 (VCV001195965.5), dbSNP rs2139192970, ClinGen allele CA388033937.

ClinVar aggregate classification (germline): Uncertain significance. Review status: criteria provided, multiple submitters, no conflicts (2 of 4 stars). 2 submissions from 2 submitters: Uncertain significance (2). Last evaluated 2021-07-14.

Conditions:
Wilson disease (WND). Also called: Wilson's disease. Identifiers: Orphanet 905, MedGen C0019202, MONDO:0010200, OMIM 277900. Disease mechanism: loss of function.

Submissions (2):

Genome-Nilou Lab
Classification: Uncertain significance for Wilson disease. Last evaluated: 2021-07-14. Review status: criteria provided, single submitter. Criteria: ACMG Guidelines, 2015. Collection method: clinical testing. Allele origin: germline. Affected: no.

Juno Genomics, Hangzhou Juno Genomics, Inc
Classification: Uncertain significance for Wilson disease. Review status: criteria provided, single submitter. Criteria: ACMG Guidelines, 2015. Collection method: clinical testing. Allele origin: germline. Affected: yes.
Comment: Absent from controls (or at extremely low frequency if recessive) in Genome Aggregation Database, Exome Sequencing Project, 1000 Genomes Project, or Exome Aggregation Consortium.;Multiple lines of computational evidence support a deleterious effect on the gene or gene product (conservation, evolutionary, splicing impact, etc).;For recessive disorders, detected in trans with a pathogenic variant.